The following is an entry in ClinVar:

NM_207346.3(TSEN54):c.1198C>G (p.Leu400Val)

Gene: TSEN54 (tRNA splicing endonuclease subunit 54; plus strand). Cytogenetic location: 17q25.1.
Variant type: single nucleotide variant.
Coding change: c.1198C>G on transcript NM_207346.3 (MANE Select); coding-DNA position 1198, C replaced by G.
Protein change: p.Leu400Val; replaces leucine 400 with valine.
Molecular consequence: missense variant.
Genome position (GRCh38, 1-based): chr17:75,522,279, C>G. VCF-style: chr17-75522279-C-G. GRCh37 (hg19) VCF-style: chr17-73518360-C-G.
Other names: short protein forms L400V.
Identifiers: ClinVar variation 5039648 (VCV005039648.1).

ClinVar aggregate classification (germline): Likely benign (1 of 4 stars; one submission).

gnomAD v4.1: 1 of 1,546,642 alleles (0.000065%); highest among the groups gnomAD compares: Non-Finnish European, 0.000087%; no homozygotes.

Submission:

CeGaT Center for Human Genetics Tuebingen
Classification: Likely benign. Last evaluated: 2026-07-01. Review status: criteria provided, single submitter. Criteria: CeGaT Center For Human Genetics Tuebingen Variant Classification Criteria Version 2. Collection method: clinical testing. Allele origin: germline. Affected: yes. Observed: 1 variant allele.
Comment: TSEN54: BP4